The following is an entry in ClinVar:

ClinVar aggregate classification (germline): Uncertain significance. Review status: criteria provided, multiple submitters, no conflicts (2 of 4 stars). 2 submissions from 2 submitters: Uncertain significance (2). Last evaluated 2023-10-08.

Conditions:
Inborn genetic diseases. Identifiers: MedGen C0950123, MeSH D030342.
Brachyolmia-amelogenesis imperfecta syndrome. Also called: Tooth agenesis, selective, 6; Dental anomalies and short stature; PLATYSPONDYLY WITH AMELOGENESIS IMPERFECTA. Identifiers: Orphanet 2899, MedGen C1832594, MONDO:0011018, OMIM 601216. Disease mechanism: loss of function.

Allele frequency attached by ClinVar (database versions not stated): gnomAD exomes below 0.00001.

Submissions (2):

Ambry Genetics
Classification: Uncertain significance for Inborn genetic diseases. Last evaluated: 2023-10-08. Review status: criteria provided, single submitter. Criteria: Ambry Variant Classification Scheme 2023. Collection method: clinical testing. Allele origin: germline.
Comment: The p.G105V variant (also known as c.314G>T), located in coding exon 1 of the LTBP3 gene, results from a G to T substitution at nucleotide position 314. The glycine at codon 105 is replaced by valine, an amino acid with dissimilar properties. This amino acid position is conserved. In addition, the in silico prediction for this alteration is inconclusive. Since supporting evidence is limited at this time, the clinical significance of this alteration remains unclear.

Labcorp Genetics (formerly Invitae), Labcorp
Classification: Uncertain significance for Brachyolmia-amelogenesis imperfecta syndrome. Last evaluated: 2022-03-06. Review status: criteria provided, single submitter. Criteria: Invitae Variant Classification Sherloc (09022015). Collection method: clinical testing. Allele origin: germline.
Comment: This sequence change replaces glycine, which is neutral and non-polar, with valine, which is neutral and non-polar, at codon 105 of the LTBP3 protein (p.Gly105Val). This variant is present in population databases (no rsID available, gnomAD 0.0009%). This variant has not been reported in the literature in individuals affected with LTBP3-related conditions. Algorithms developed to predict the effect of missense changes on protein structure and function are either unavailable or do not agree on the potential impact of this missense change (SIFT: "Deleterious"; PolyPhen-2: "Possibly Damaging"; Align-GVGD: "Class C0"). In summary, the available evidence is currently insufficient to determine the role of this variant in disease. Therefore, it has been classified as a Variant of Uncertain Significance.

NM_001130144.3(LTBP3):c.314G>T (p.Gly105Val)

Gene: LTBP3 (latent transforming growth factor beta binding protein 3; minus strand). Cytogenetic location: 11q13.1.
Variant type: single nucleotide variant.
Coding change: c.314G>T on transcript NM_001130144.3 (MANE Select); coding-DNA position 314, G replaced by T.
Protein change: p.Gly105Val; replaces glycine 105 with valine.
Molecular consequence: missense variant. On other transcripts: 5 prime UTR variant (1).
Genome position (GRCh38, 1-based): chr11:65,557,646, C>A on the plus strand (G>T on the coding strand, the complement: LTBP3 is on the minus strand). VCF-style: chr11-65557646-C-A. GRCh37 (hg19) VCF-style: chr11-65325117-C-A.
Other names: c.-34G>T (NM_001164266.1); c.314G>T, p.Gly105Val (NM_021070.4); c.314G>T (NM_001130144.2); short protein forms G105V.
Identifiers: ClinVar variation 2145414 (VCV002145414.5), dbSNP rs1185697655, ClinGen allele CA381277663.